The following is an entry in ClinVar:

ClinVar aggregate classification (germline): Uncertain significance. Review status: criteria provided, multiple submitters, no conflicts (2 of 4 stars). 2 submissions from 2 submitters: Uncertain significance (2). Last evaluated 2025-03-25.

Conditions:
Oligodontia-cancer predisposition syndrome. Also called: TOOTH AGENESIS-COLORECTAL CANCER SYNDROME. Identifiers: Orphanet 300576, MedGen C1837750, MONDO:0012075, OMIM 608615. Disease mechanism: loss of function.
Hereditary cancer-predisposing syndrome. Also called: Tumor predisposition; Hereditary neoplastic syndrome; Neoplastic Syndromes, Hereditary; Hereditary Cancer Syndrome. Identifiers: Orphanet 140162, MedGen C0027672, MeSH D009386, MONDO:0015356.

Submissions (2):

Labcorp Genetics (formerly Invitae), Labcorp
Classification: Uncertain significance for Oligodontia-cancer predisposition syndrome. Last evaluated: 2025-03-25. Review status: criteria provided, single submitter. Criteria: Invitae Variant Classification Sherloc (09022015). Collection method: clinical testing. Allele origin: germline.
Comment: This sequence change replaces phenylalanine, which is neutral and non-polar, with leucine, which is neutral and non-polar, at codon 98 of the AXIN2 protein (p.Phe98Leu). This variant is not present in population databases (gnomAD no frequency). This variant has not been reported in the literature in individuals affected with AXIN2-related conditions. ClinVar contains an entry for this variant (Variation ID: 858391). Invitae Evidence Modeling of protein sequence and biophysical properties (such as structural, functional, and spatial information, amino acid conservation, physicochemical variation, residue mobility, and thermodynamic stability) indicates that this missense variant is expected to disrupt AXIN2 protein function with a positive predictive value of 80%. In summary, the available evidence is currently insufficient to determine the role of this variant in disease. Therefore, it has been classified as a Variant of Uncertain Significance.

Ambry Genetics
Classification: Uncertain significance for Hereditary cancer-predisposing syndrome. Last evaluated: 2024-07-23. Review status: criteria provided, single submitter. Criteria: Ambry Variant Classification Scheme 2023. Collection method: clinical testing. Allele origin: germline.
Comment: The p.F98L variant (also known as c.294C>A), located in coding exon 1 of the AXIN2 gene, results from a C to A substitution at nucleotide position 294. The phenylalanine at codon 98 is replaced by leucine, an amino acid with highly similar properties. This amino acid position is highly conserved in available vertebrate species. In addition, the in silico prediction for this alteration is inconclusive. Since supporting evidence is limited at this time, the clinical significance of this alteration remains unclear.

NM_004655.4(AXIN2):c.294C>A (p.Phe98Leu)

Gene: AXIN2 (axin 2; minus strand). Cytogenetic location: 17q24.1.
Variant type: single nucleotide variant.
Coding change: c.294C>A on transcript NM_004655.4 (MANE Select); coding-DNA position 294, C replaced by A.
Protein change: p.Phe98Leu; replaces phenylalanine 98 with leucine.
Molecular consequence: missense variant.
Genome position (GRCh38, 1-based): chr17:65,558,327, G>T on the plus strand (C>A on the coding strand, the complement: AXIN2 is on the minus strand). VCF-style: chr17-65558327-G-T. GRCh37 (hg19) VCF-style: chr17-63554445-G-T.
Other names: c.294C>A, p.Phe98Leu (NM_001363813.1); short protein forms F98L.
Identifiers: ClinVar variation 858391 (VCV000858391.13), dbSNP rs765473342, ClinGen allele CA400681718.
Genomic context (GRCh38, chr17:65,558,327, plus strand): 5'-CCTGAATCCATTGCAGGCAAACCAGAAGTCTAAGGTATCCACGCATTTCTCCCTCTCCAG[G>T]AAAGTTCGGAACAGGTAAGCACCGTCTTGATCGCCCAATAAGGAGTGTAAGGACTTGGTC-3'
Protein context (NP_004646.3, residues 88-108): DQDGAYLFRT[Phe98Leu]LEREKCVDTL